The following is an entry in ClinVar:

NM_000784.4(CYP27A1):c.919G>T (p.Val307Leu)

Gene: CYP27A1 (cytochrome P450 family 27 subfamily A member 1; plus strand). Cytogenetic location: 2q35.
Variant type: single nucleotide variant.
Coding change: c.919G>T on transcript NM_000784.4 (MANE Select); coding-DNA position 919, G replaced by T.
Protein change: p.Val307Leu; replaces valine 307 with leucine.
Molecular consequence: missense variant.
Genome position (GRCh38, 1-based): chr2:218,812,998, G>T. VCF-style: chr2-218812998-G-T. GRCh37 (hg19) VCF-style: chr2-219677721-G-T.
Other names: p.Val307Leu; c.919G>T (NM_000784.3); short protein forms V307L.
Identifiers: ClinVar variation 281718 (VCV000281718.15), dbSNP rs779794737, ClinGen allele CA2112758.

ClinVar aggregate classification (germline): Uncertain significance. Review status: criteria provided, multiple submitters, no conflicts (2 of 4 stars). 6 submissions from 6 submitters: Uncertain significance (5). 1 of the submissions does not count toward it. Last evaluated 2026-04-11.

Conditions:
CYP27A1-related disorder. Also called: CYP27A1-related condition.
Cholestanol storage disease (CTX). Also called: CEREBRAL CHOLESTERINOSIS; Cerebrotendinous Xanthomatosis; CTX: Cerebrotendinous xanthomatosis. Identifiers: Orphanet 909, MedGen C0238052, MONDO:0008948, OMIM 213700.

Allele frequency attached by ClinVar (database versions not stated): TOPMed below 0.00001; ExAC 0.00002; gnomAD exomes 0.00002.
gnomAD v4.1: 12 of 1,614,240 alleles (0.00074%); highest among the groups gnomAD compares: Admixed American, 0.02%; no homozygotes.

Submissions (6):

PreventionGenetics, part of Exact Sciences
Classification: Uncertain significance for CYP27A1-related condition. Last evaluated: 2026-04-11. Review status: criteria provided, single submitter. Criteria: ACMG Guidelines, 2015. Collection method: clinical testing. Allele origin: germline.
Comment: The CYP27A1 c.919G>T variant is predicted to result in the amino acid substitution p.Val307Leu. To our knowledge, this variant has not been reported in the literature. This variant is reported in 0.017% of alleles in individuals of Latino descent in gnomAD. At this time, the clinical significance of this variant is uncertain due to the absence of conclusive functional and genetic evidence.

Mayo Clinic Laboratories, Mayo Clinic
Classification: Uncertain significance. Last evaluated: 2023-07-06. Review status: criteria provided, single submitter. Criteria: ACMG Guidelines, 2015. Collection method: clinical testing. Allele origin: germline. Observed: 1 variant allele.
Comment: BP4

Labcorp Genetics (formerly Invitae), Labcorp
Classification: Uncertain significance for Cholestanol storage disease. Last evaluated: 2022-09-27. Review status: criteria provided, single submitter. Criteria: Invitae Variant Classification Sherloc (09022015). Collection method: clinical testing. Allele origin: germline.
Comment: This sequence change replaces valine, which is neutral and non-polar, with leucine, which is neutral and non-polar, at codon 307 of the CYP27A1 protein (p.Val307Leu). This variant is present in population databases (rs779794737, gnomAD 0.02%). This variant has not been reported in the literature in individuals affected with CYP27A1-related conditions. ClinVar contains an entry for this variant (Variation ID: 281718). Advanced modeling of protein sequence and biophysical properties (such as structural, functional, and spatial information, amino acid conservation, physicochemical variation, residue mobility, and thermodynamic stability) performed at Invitae indicates that this missense variant is not expected to disrupt CYP27A1 protein function. In summary, the available evidence is currently insufficient to determine the role of this variant in disease. Therefore, it has been classified as a Variant of Uncertain Significance.

GeneDx
Classification: Uncertain significance. Last evaluated: 2022-01-05. Review status: criteria provided, single submitter. Criteria: GeneDx Variant Classification Process June 2021. Collection method: clinical testing. Allele origin: germline. Affected: yes.
Comment: In silico analysis supports that this missense variant does not alter protein structure/function; Has not been previously published as pathogenic or benign to our knowledge

Eurofins Ntd Llc (ga)
Classification: Uncertain significance. Last evaluated: 2015-07-14. Review status: criteria provided, single submitter. Criteria: EGL Classification Definitions 2015. Collection method: clinical testing. Allele origin: germline. Observed: 1 variant allele, 1 heterozygote.

Natera, Inc.
Classification: Uncertain significance for Cerebrotendinous xanthomatosis. Last evaluated: 2019-11-11. Review status: no assertion criteria provided. Collection method: clinical testing. Allele origin: germline. Not counted in ClinVar's aggregate classification.